The following is an entry in ClinVar:

ClinVar aggregate classification (germline): Uncertain significance. Review status: criteria provided, multiple submitters, no conflicts (2 of 4 stars). 3 submissions from 3 submitters: Uncertain significance (3). Last evaluated 2025-10-30.

Conditions:
Cardiovascular phenotype. Identifiers: MedGen CN230736.
Primary dilated cardiomyopathy (DCM). Also called: Dilated Cardiomyopathy. Identifiers: Orphanet 217604, MedGen C0007193, MeSH D002311, MONDO:0005021, HP:0001644. Inheritance: Various modes of inheritance.
Dilated cardiomyopathy 1W (CMD1W). Identifiers: Orphanet 154, MedGen C1969639, MONDO:0012667, OMIM 611407.

Allele frequency attached by ClinVar (database versions not stated): gnomAD exomes below 0.00001; TOPMed below 0.00001; ExAC 0.00001.
gnomAD v4.1: 4 of 1,614,170 alleles (0.00025%); highest among the groups gnomAD compares: Non-Finnish European, 0.00034%; no homozygotes.

Submissions (3):

Ambry Genetics
Classification: Uncertain significance for Cardiovascular phenotype. Last evaluated: 2025-10-30. Review status: criteria provided, single submitter. Criteria: Ambry Variant Classification Scheme 2023. Collection method: clinical testing. Allele origin: germline.
Comment: The p.R547* variant (also known as c.1639C>T), located in coding exon 12 of the VCL gene, results from a C to T substitution at nucleotide position 1639. This changes the amino acid from an arginine to a stop codon within coding exon 12. This variant was reported in at least one individual with features consistent with dilated cardiomyopathy (Pugh TJ et al. Genet Med, 2014 Aug;16:601-8; Hawley MH et al. Hum Mutat, 2020 Sep;41:1577-1587; Lesurf R et al. NPJ Genom Med, 2022 Mar;7:18). This alteration is expected to result in protein truncation or nonsense-mediated mRNA decay. However, loss of function has not been established as a mechanism of disease. Based on the available evidence, the clinical significance of this alteration remains unclear.

Labcorp Genetics (formerly Invitae), Labcorp
Classification: Uncertain significance for Dilated cardiomyopathy 1W. Last evaluated: 2025-05-19. Review status: criteria provided, single submitter. Criteria: Invitae Variant Classification Sherloc (09022015). Collection method: clinical testing. Allele origin: germline.
Comment: This sequence change creates a premature translational stop signal (p.Arg547*) in the VCL gene. It is expected to result in an absent or disrupted protein product. However, the current clinical and genetic evidence is not sufficient to establish whether loss-of-function variants in VCL cause disease. This variant is present in population databases (rs397517234, gnomAD 0.0009%). This premature translational stop signal has been observed in individual(s) with dilated cardiomyopathy (PMID: 24503780, 37548861). ClinVar contains an entry for this variant (Variation ID: 45586). In summary, the available evidence is currently insufficient to determine the role of this variant in disease. Therefore, it has been classified as a Variant of Uncertain Significance.

Laboratory for Molecular Medicine, Mass General Brigham Personalized Medicine
Classification: Uncertain significance for Primary dilated cardiomyopathy. Last evaluated: 2023-06-27. Review status: criteria provided, single submitter. Criteria: ACMG Guidelines, 2015. Collection method: clinical testing. Allele origin: germline. Inheritance: Autosomal unknown.
Comment: The p.Arg547X variant in VCL has been identified in 1 infant with dilated cardiomyopathy (DCM; Hawley 2020 PMID: 32516855, LMM data). It was absent from large population studies (gnomAD, v.3.1.2). This nonsense variant leads to a premature termination codon at position 547, which is predicted to lead to a truncated or absent protein. Mouse models have shown that loss of function of the VCL gene can lead to DCM (Zemljic-Harpf 2007 PMID: 17785437), although the mode of inheritance associated with such variants in humans is not yet clear. Heterozygous loss-of-function variants in VCL have been identified in several individuals in our laboratory, many of whom had early onset DCM; however, these variants have also been identified in unaffected family members and family members with later onset disease (Hawley 2020 PMID: 32516855). In summary, although there is some evidence suggesting an association between truncating variants in VCL and DCM, there is not currently enough information to determine the strength of this association or to clearly delineate a mode of inheritance. In summary, the clinical significance of this variant is uncertain. ACMG/AMP Criteria applied: PM2_Supporting.

Literature cited by the submitters: PubMed 24503780 (cited by Ambry Genetics and Labcorp Genetics (formerly Invitae), Labcorp); PubMed 32516855 (cited by Ambry Genetics and Laboratory for Molecular Medicine, Mass General Brigham Personalized Medicine); PubMed 35288587 (cited by Ambry Genetics); PubMed 37548861 (cited by Labcorp Genetics (formerly Invitae), Labcorp); PubMed 17785437 (cited by Laboratory for Molecular Medicine, Mass General Brigham Personalized Medicine).

NM_014000.3(VCL):c.1639C>T (p.Arg547Ter)

Gene: VCL (vinculin; plus strand). Cytogenetic location: 10q22.2.
Variant type: single nucleotide variant.
Coding change: c.1639C>T on transcript NM_014000.3 (MANE Select); coding-DNA position 1639, C replaced by T.
Protein change: p.Arg547Ter; replaces arginine 547 with a stop codon.
Molecular consequence: nonsense.
Genome position (GRCh38, 1-based): chr10:74,095,751, C>T. VCF-style: chr10-74095751-C-T. GRCh37 (hg19) VCF-style: chr10-75855509-C-T.
Other names: c.1639C>T, p.Arg547Ter (NM_003373.4); short protein forms R547*.
Identifiers: ClinVar variation 45586 (VCV000045586.10), dbSNP rs397517234, ClinGen allele CA261755.
Genomic context (GRCh38, chr10:74,095,751, plus strand): 5'-CATCGTCTGGCTAATGTTATGATGGGGCCTTATCGGCAAGATCTTCTCGCCAAGTGTGAC[C>T]GAGTGGACCAGCTGACAGCCCAGCTGGCTGACCTGGCTGCCAGAGGGGAAGGGGAGAGTC-3'